The following is an entry in ClinVar:

NM_144687.4(NLRP12):c.1157A>G (p.Gln386Arg)

Gene: NLRP12 (NLR family pyrin domain containing 12; minus strand). Cytogenetic location: 19q13.42.
Variant type: single nucleotide variant.
Coding change: c.1157A>G on transcript NM_144687.4 (MANE Select); coding-DNA position 1157, A replaced by G.
Protein change: p.Gln386Arg; replaces glutamine 386 with arginine.
Molecular consequence: missense variant.
Genome position (GRCh38, 1-based): chr19:53,810,502, T>C on the plus strand (A>G on the coding strand, the complement: NLRP12 is on the minus strand). VCF-style: chr19-53810502-T-C. GRCh37 (hg19) VCF-style: chr19-54313756-T-C.
Other names: c.1157A>G, p.Gln386Arg (NM_001277126.2, NM_001277129.1); short protein forms Q386R.
Identifiers: ClinVar variation 857068 (VCV000857068.9), dbSNP rs1335953782, ClinGen allele CA407414668.
Genomic context (GRCh38, chr19:53,810,502, plus strand): 5'-ACCAGGGGGACGAAGCACATGGTGAAGAGAGGCTCGTTGTCCCTCACGTAATTGAAGACT[T>C]GGCCCGCCTGCTCTGCATTGTGGAAATACTTGTAGAAGTATTCCTTCCTTTCTGCCTCAG-3'
Protein context (NP_653288.1, residues 376-396): KYFHNAEQAG[Gln386Arg]VFNYVRDNEP

ClinVar aggregate classification (germline): Uncertain significance (1 of 4 stars; one submission).

Conditions:
Familial cold autoinflammatory syndrome 2 (FCAS2). Identifiers: Orphanet 247868, MedGen C2673198, MONDO:0012724, OMIM 611762.

Allele frequency attached by ClinVar (database versions not stated): gnomAD exomes below 0.00001 and 0.00001; TOPMed below 0.00001; gnomAD 0.00001.
gnomAD v4.1: 3 of 1,613,986 alleles (0.00019%); highest among the groups gnomAD compares: Non-Finnish European, 0.00025%; no homozygotes.

Submission:

Labcorp Genetics (formerly Invitae), Labcorp
Classification: Uncertain significance for Familial cold autoinflammatory syndrome 2. Last evaluated: 2025-02-13. Review status: criteria provided, single submitter. Criteria: Invitae Variant Classification Sherloc (09022015). Collection method: clinical testing. Allele origin: germline.
Comment: This sequence change replaces glutamine, which is neutral and polar, with arginine, which is basic and polar, at codon 386 of the NLRP12 protein (p.Gln386Arg). This variant is present in population databases (no rsID available, gnomAD 0.002%). This variant has not been reported in the literature in individuals affected with NLRP12-related conditions. ClinVar contains an entry for this variant (Variation ID: 857068). Invitae Evidence Modeling of protein sequence and biophysical properties (such as structural, functional, and spatial information, amino acid conservation, physicochemical variation, residue mobility, and thermodynamic stability) indicates that this missense variant is not expected to disrupt NLRP12 protein function with a negative predictive value of 80%. In summary, the available evidence is currently insufficient to determine the role of this variant in disease. Therefore, it has been classified as a Variant of Uncertain Significance.